The following is an entry in ClinVar:

NM_007194.4(CHEK2):c.864del (p.Asn290fs)

Gene: CHEK2 (checkpoint kinase 2; minus strand). Cytogenetic location: 22q12.1.
Variant type: Deletion.
Coding change: c.864del on transcript NM_007194.4 (MANE Select); coding-DNA position 864, one base deleted (T; older notation c.864delT).
Protein change: p.Asn290fs; shifts the reading frame from asparagine 290.
Molecular consequence: frameshift variant.
Genome position (GRCh38, 1-based): chr22:28,703,549, A deleted on the plus strand (T on the coding strand, the reverse complement: CHEK2 is on the minus strand); the first of 2 consecutive A bases (chr22:28,703,549-28,703,550); deleting either gives the same sequence. VCF-style (leftmost placement, unchanged base first): chr22-28703548-TA-T. GRCh37 (hg19) VCF-style: chr22-29099536-TA-T.
Other names: c.992delT, p.Asn333Thrfs (NM_001005735.3); c.200delT, p.Asn69Thrfs (NM_001257387.3); c.662delT, p.Asn223Thrfs (NM_001349956.3); c.863delT, p.Asn290Thrfs (NM_145862.3); short protein forms N69fs, N333fs, N290fs, N223fs.
Identifiers: ClinVar variation 1764176 (VCV001764176.2), dbSNP rs1280976864, ClinGen allele CA2580099382.

ClinVar aggregate classification (germline): Pathogenic (1 of 4 stars; one submission).

Conditions:
Hereditary cancer-predisposing syndrome. Also called: Neoplastic Syndromes, Hereditary; Tumor predisposition; Hereditary Cancer Syndrome; Hereditary neoplastic syndrome. Identifiers: Orphanet 140162, MedGen C0027672, MeSH D009386, MONDO:0015356.

Submission:

Ambry Genetics
Classification: Pathogenic for Hereditary cancer-predisposing syndrome. Last evaluated: 2021-12-23. Review status: criteria provided, single submitter. Criteria: Ambry Variant Classification Scheme 2023. Collection method: clinical testing. Allele origin: germline.
Comment: The c.864delT pathogenic mutation, located in coding exon 7 of the CHEK2 gene, results from a deletion of one nucleotide at nucleotide position 864, causing a translational frameshift with a predicted alternate stop codon (p.N290Tfs*14). This alteration is expected to result in loss of function by premature protein truncation or nonsense-mediated mRNA decay. As such, this alteration is interpreted as a disease-causing mutation.